The following is an entry in ClinVar:

NM_000273.3(GPR143):c.32del (p.Cys11fs)

Gene: GPR143 (G protein-coupled receptor 143; minus strand). Cytogenetic location: Xp22.2.
Variant type: Deletion.
Coding change: c.32del on transcript NM_000273.3 (MANE Select); coding-DNA position 32, one base deleted (G; older notation c.32delG).
Protein change: p.Cys11fs; shifts the reading frame from cysteine 11.
Molecular consequence: frameshift variant.
Genome position (GRCh38, 1-based): chrX:9,765,786, C deleted on the plus strand (G on the coding strand, the reverse complement: GPR143 is on the minus strand). VCF-style (leftmost placement, unchanged base first): chrX-9765785-GC-G. GRCh37 (hg19) VCF-style: chrX-9733825-GC-G.
Other names: short protein forms C11fs.
Identifiers: ClinVar variation 2118526 (VCV002118526.4), dbSNP rs2518642453, ClinGen allele CA2580102083.

ClinVar aggregate classification (germline): Pathogenic (1 of 4 stars; one submission).

Submission:

Labcorp Genetics (formerly Invitae), Labcorp
Classification: Pathogenic. Last evaluated: 2022-11-01. Review status: criteria provided, single submitter. Criteria: Invitae Variant Classification Sherloc (09022015). Collection method: clinical testing. Allele origin: germline.
Comment: This variant is not present in population databases (gnomAD no frequency). This sequence change creates a premature translational stop signal (p.Cys11Serfs*12) in the GPR143 gene. It is expected to result in an absent or disrupted protein product. Loss-of-function variants in GPR143 are known to be pathogenic (PMID: 15965158, 18978956, 19390656, 21541274, 26160353, 28211458). This variant has not been reported in the literature in individuals affected with GPR143-related conditions. For these reasons, this variant has been classified as Pathogenic.

Literature cited by the submitters: PubMed 15965158; PubMed 18978956; PubMed 19390656; PubMed 21541274; PubMed 26160353; PubMed 28211458.